The following is an entry in ClinVar:

NM_001003800.2(BICD2):c.2272A>G (p.Ile758Val)

Gene: BICD2 (BICD cargo adaptor 2; minus strand). Cytogenetic location: 9q22.31.
Variant type: single nucleotide variant.
Coding change: c.2272A>G on transcript NM_001003800.2 (MANE Select); coding-DNA position 2272, A replaced by G.
Protein change: p.Ile758Val; replaces isoleucine 758 with valine.
Molecular consequence: missense variant.
Genome position (GRCh38, 1-based): chr9:92,715,450, T>C on the plus strand (A>G on the coding strand, the complement: BICD2 is on the minus strand). VCF-style: chr9-92715450-T-C. GRCh37 (hg19) VCF-style: chr9-95477732-T-C.
Other names: c.2272A>G, p.Ile758Val (NM_015250.4); short protein forms I758V.
Identifiers: ClinVar variation 967784 (VCV000967784.8), dbSNP rs766894803, ClinGen allele CA5126336.
Genomic context (GRCh38, chr9:92,715,450, plus strand): 5'-GCGTCTTCTTCTCGTCCTCAGCAGCCGCCAGCTGCCGCTGCATCTCATCCAGCTGTGTAA[T>C]GTACTCGTCACACCTGTGGGTACCAAAAACATGACTGAGGGGCGGGCAGAGCCGAGCAGA-3'
Protein context (NP_001003800.1, residues 748-768): AMFATRCDEY[Ile758Val]TQLDEMQRQL

ClinVar aggregate classification (germline): Uncertain significance (1 of 4 stars; one submission).

Conditions:
Autosomal dominant childhood-onset proximal spinal muscular atrophy with contractures (SMALED2A). Also called: SPINAL MUSCULAR ATROPHY, LOWER EXTREMITY-PREDOMINANT, 2A, CHILDHOOD ONSET, AUTOSOMAL DOMINANT; Spinal muscular atrophy, lower extremity-predominant, 2A, autosomal dominant. Identifiers: Orphanet 363447, Orphanet 363454, MedGen C4747715, MONDO:0014121, OMIM 615290.

Allele frequency attached by ClinVar (database versions not stated): ExAC 0.00001; gnomAD exomes 0.00001 and 0.00003.
gnomAD v4.1: 41 of 1,591,580 alleles (0.0026%); highest among the groups gnomAD compares: South Asian, 0.0034%; no homozygotes.

Submission:

Labcorp Genetics (formerly Invitae), Labcorp
Classification: Uncertain significance for Autosomal dominant childhood-onset proximal spinal muscular atrophy with contractures. Last evaluated: 2024-06-15. Review status: criteria provided, single submitter. Criteria: Invitae Variant Classification Sherloc (09022015). Collection method: clinical testing. Allele origin: germline.
Comment: This sequence change replaces isoleucine, which is neutral and non-polar, with valine, which is neutral and non-polar, at codon 758 of the BICD2 protein (p.Ile758Val). This variant is present in population databases (rs766894803, gnomAD 0.002%). This variant has not been reported in the literature in individuals affected with BICD2-related conditions. ClinVar contains an entry for this variant (Variation ID: 967784). Advanced modeling of protein sequence and biophysical properties (such as structural, functional, and spatial information, amino acid conservation, physicochemical variation, residue mobility, and thermodynamic stability) performed at Invitae indicates that this missense variant is not expected to disrupt BICD2 protein function with a negative predictive value of 80%. In summary, the available evidence is currently insufficient to determine the role of this variant in disease. Therefore, it has been classified as a Variant of Uncertain Significance.